The following is an entry in ClinVar:

ClinVar aggregate classification (germline): Pathogenic (1 of 4 stars; one submission).

Conditions:
Duchenne muscular dystrophy (DMD). Also called: MUSCULAR DYSTROPHY, PSEUDOHYPERTROPHIC PROGRESSIVE, DUCHENNE TYPE; Duchenne Muscular Dystrophy (DMD). Identifiers: Orphanet 98896, MedGen C0013264, MONDO:0010679, OMIM 310200.

Submission:

Labcorp Genetics (formerly Invitae), Labcorp
Classification: Pathogenic for Duchenne muscular dystrophy. Last evaluated: 2023-07-30. Review status: criteria provided, single submitter. Criteria: Invitae Variant Classification Sherloc (09022015). Collection method: clinical testing. Allele origin: germline.
Comment: For these reasons, this variant has been classified as Pathogenic. This variant has not been reported in the literature in individuals affected with DMD-related conditions. This variant is a gross deletion of the genomic region encompassing exon(s) 22-44 of the DMD gene. This deletion is out-of-frame, and is expected to create a premature termination codon and result in an absent or disrupted protein product. Loss-of-function variants in DMD are known to be pathogenic (PMID: 16770791, 25007885).

Literature cited by the submitters: PubMed 16770791; PubMed 25007885.

NC_000023.11:g.(?_32216896)_(32472329_?)del

Gene: DMD (dystrophin; minus strand). Cytogenetic location: Xp21.1.
Variant type: Deletion.
Identifiers: ClinVar variation 584282 (VCV000584282.6).